The following is an entry in ClinVar:

ClinVar aggregate classification (germline): Likely benign (1 of 4 stars; one submission).

Allele frequency attached by ClinVar (database versions not stated): ExAC 0.00001.

Submission:

CeGaT Center for Human Genetics Tuebingen
Classification: Likely benign. Last evaluated: 2023-04-01. Review status: criteria provided, single submitter. Criteria: CeGaT Center For Human Genetics Tuebingen Variant Classification Criteria Version 2. Collection method: clinical testing. Allele origin: germline. Affected: yes. Observed: 1 variant allele.
Comment: PTPN23: BP4, BP7

NM_015466.4(PTPN23):c.3813T>C (p.Ala1271=)

Gene: PTPN23 (protein tyrosine phosphatase non-receptor type 23; plus strand). Cytogenetic location: 3p21.31.
Variant type: single nucleotide variant.
Coding change: c.3813T>C on transcript NM_015466.4 (MANE Select); coding-DNA position 3813, T replaced by C.
Protein change: p.Ala1271=; no amino-acid change (alanine 1271 retained).
Molecular consequence: synonymous variant.
Genome position (GRCh38, 1-based): chr3:47,411,611, T>C. VCF-style: chr3-47411611-T-C. GRCh37 (hg19) VCF-style: chr3-47453101-T-C.
Other names: c.3435T>C, p.Ala1145= (NM_001304482.2).
Identifiers: ClinVar variation 2653758 (VCV002653758.24), dbSNP rs750124724, ClinGen allele CA2366355.